The following is an entry in ClinVar:

ClinVar aggregate classification (germline): Uncertain significance. Review status: criteria provided, multiple submitters, no conflicts (2 of 4 stars). 2 submissions from 2 submitters: Uncertain significance (2). Last evaluated 2025-10-07.

Conditions:
Pachyonychia congenita 2 (PC2). Also called: Jackson-Lawler syndrome; PACHYONYCHIA CONGENITA, JACKSON-LAWLER TYPE; KRT17-Related Pachyonychia Congenita; KRT6B-Related Pachyonychia Congenita; PC-K17. Identifiers: Orphanet 2309, MedGen C1721007, MONDO:0008174, OMIM 167210.

Submissions (2):

Labcorp Genetics (formerly Invitae), Labcorp
Classification: Uncertain significance. Last evaluated: 2025-10-07. Review status: criteria provided, single submitter. Criteria: Invitae Variant Classification Sherloc (09022015). Collection method: clinical testing. Allele origin: germline.
Comment: This sequence change creates a premature translational stop signal (p.Gly54Valfs*61) in the KRT17 gene. It is expected to result in an absent or disrupted protein product. However, the current clinical and genetic evidence is not sufficient to establish whether loss-of-function variants in KRT17 cause disease. This variant is present in population databases (rs761469971, gnomAD 0.02%). This variant has not been reported in the literature in individuals affected with KRT17-related conditions. ClinVar contains an entry for this variant (Variation ID: 3779802). In summary, the available evidence is currently insufficient to determine the role of this variant in disease. Therefore, it has been classified as a Variant of Uncertain Significance.

Department of Pathology and Laboratory Medicine, Sinai Health System
Classification: Uncertain significance for pachyonychia congenita 2. Last evaluated: 2022-09-22. Review status: criteria provided, single submitter. Criteria: ACMG Guidelines, 2015. Collection method: research. Allele origin: germline.

NM_000422.3(KRT17):c.161del (p.Gly54fs)

Gene: KRT17 (keratin 17; minus strand). Cytogenetic location: 17q21.2.
Variant type: Deletion.
Coding change: c.161del on transcript NM_000422.3 (MANE Select); coding-DNA position 161, one base deleted (G; older notation c.161delG).
Protein change: p.Gly54fs; shifts the reading frame from glycine 54.
Molecular consequence: frameshift variant.
Genome position (GRCh38, 1-based): chr17:41,624,349, C deleted on the plus strand (G on the coding strand, the reverse complement: KRT17 is on the minus strand); the first of 5 consecutive C bases (chr17:41,624,349-41,624,353); deleting any one gives the same sequence. VCF-style (leftmost placement, unchanged base first): chr17-41624348-AC-A. GRCh37 (hg19) VCF-style: chr17-39780600-AC-A.
Other names: short protein forms G54fs.
Identifiers: ClinVar variation 3779802 (VCV003779802.2).